The following is an entry in ClinVar:

NM_000368.5(TSC1):c.2155C>G (p.Leu719Val)

Gene: TSC1 (TSC complex subunit 1; minus strand). Cytogenetic location: 9q34.13.
Variant type: single nucleotide variant.
Coding change: c.2155C>G on transcript NM_000368.5 (MANE Select); coding-DNA position 2155, C replaced by G.
Protein change: p.Leu719Val; replaces leucine 719 with valine.
Molecular consequence: missense variant. On other transcripts: non-coding transcript variant (4).
Genome position (GRCh38, 1-based): chr9:132,903,704, G>C on the plus strand (C>G on the coding strand, the complement: TSC1 is on the minus strand). VCF-style: chr9-132903704-G-C. GRCh37 (hg19) VCF-style: chr9-135779091-G-C.
Other names: c.2152C>G, p.Leu718Val (NM_001162426.2, NM_001406597.1, NM_001406598.1 and 4 more transcripts); c.2002C>G, p.Leu668Val (NM_001162427.2, NM_001406610.1); c.1792C>G, p.Leu598Val (NM_001362177.2, NM_001406614.1, NM_001406615.1 and 5 more transcripts); c.2155C>G, p.Leu719Val (NM_001406592.1, NM_001406593.1, NM_001406594.1 and 5 more transcripts); c.2140C>G, p.Leu714Val (NM_001406601.1, NM_001406602.1); c.1999C>G, p.Leu667Val (NM_001406613.1, NM_001406611.1, NM_001406612.1); c.1789C>G, p.Leu597Val (NM_001406620.1, NM_001406621.1, NM_001406622.1 and 2 more transcripts); c.1204C>G, p.Leu402Val (NM_001406626.1); and 3 more; short protein forms L368V, L597V, L598V, L667V, L713V, L402V, L668V, L714V.
Identifiers: ClinVar variation 2600385 (VCV002600385.3), dbSNP rs2131762009, ClinGen allele CA375360839.
Genomic context (GRCh38, chr9:132,903,704, plus strand): 5'-TCCTCACCATGGCAGCATTATGTTCCTCCAGAGCTGCTGCTTTGATCACCTTGCGGAGGA[G>C]CCGCCTGTTCCGGAGGGCATGCTGCTGCCTCTTAAAACGCTCATAGAGTAACTGGTTGTG-3'
Protein context (NP_000359.1, residues 709-729): RQQHALRNRR[Leu719Val]LRKVIKAAAL

ClinVar aggregate classification (germline): Uncertain significance (1 of 4 stars; one submission).

Conditions:
Hereditary cancer-predisposing syndrome. Also called: Hereditary neoplastic syndrome; Hereditary Cancer Syndrome; Neoplastic Syndromes, Hereditary; Tumor predisposition. Identifiers: Orphanet 140162, MedGen C0027672, MeSH D009386, MONDO:0015356.

Submission:

Ambry Genetics
Classification: Uncertain significance for Hereditary cancer-predisposing syndrome. Last evaluated: 2026-07-20. Review status: criteria provided, single submitter. Criteria: Ambry Variant Classification Scheme 2023. Collection method: clinical testing. Allele origin: germline.
Comment: The p.L719V variant (also known as c.2155C>G), located in coding exon 15 of the TSC1 gene, results from a C to G substitution at nucleotide position 2155. The leucine at codon 719 is replaced by valine, an amino acid with highly similar properties. This amino acid position is highly conserved in available vertebrate species. In addition, this alteration is predicted to be deleterious by in silico analysis. Based on the available evidence, the clinical significance of this variant remains unclear.